The following is an entry in ClinVar:

ClinVar aggregate classification (germline): Uncertain significance (1 of 4 stars; one submission).

Conditions:
Deficiency of malonyl-CoA decarboxylase. Also called: Malonic aciduria; MCD deficiency. Identifiers: Orphanet 943, MedGen C0342793, MONDO:0009556, OMIM 248360.

Allele frequency attached by ClinVar (database versions not stated): TOPMed 0.00002; 1000 Genomes Project 30x 0.00016; 1000 Genomes Project 0.00020.
gnomAD v4.1: 4 of 1,614,098 alleles (0.00025%); highest among the groups gnomAD compares: East Asian, 0.0089%; no homozygotes.

Submission:

Labcorp Genetics (formerly Invitae), Labcorp
Classification: Uncertain significance for Deficiency of malonyl-CoA decarboxylase. Last evaluated: 2024-02-17. Review status: criteria provided, single submitter. Criteria: Invitae Variant Classification Sherloc (09022015). Collection method: clinical testing. Allele origin: germline.
Comment: This sequence change replaces alanine, which is neutral and non-polar, with glycine, which is neutral and non-polar, at codon 393 of the MLYCD protein (p.Ala393Gly). This variant is present in population databases (rs200750439, gnomAD 0.01%). This variant has not been reported in the literature in individuals affected with MLYCD-related conditions. ClinVar contains an entry for this variant (Variation ID: 1045713). Advanced modeling of protein sequence and biophysical properties (such as structural, functional, and spatial information, amino acid conservation, physicochemical variation, residue mobility, and thermodynamic stability) performed at Invitae indicates that this missense variant is expected to disrupt MLYCD protein function with a positive predictive value of 95%. In summary, the available evidence is currently insufficient to determine the role of this variant in disease. Therefore, it has been classified as a Variant of Uncertain Significance.

NM_012213.3(MLYCD):c.1178C>G (p.Ala393Gly)

Gene: MLYCD (malonyl-CoA decarboxylase; plus strand). Cytogenetic location: 16q23.3.
Variant type: single nucleotide variant.
Coding change: c.1178C>G on transcript NM_012213.3 (MANE Select); coding-DNA position 1178, C replaced by G.
Protein change: p.Ala393Gly; replaces alanine 393 with glycine.
Molecular consequence: missense variant.
Genome position (GRCh38, 1-based): chr16:83,915,185, C>G. VCF-style: chr16-83915185-C-G. GRCh37 (hg19) VCF-style: chr16-83948790-C-G.
Other names: short protein forms A393G.
Identifiers: ClinVar variation 1045713 (VCV001045713.7), dbSNP rs200750439, ClinGen allele CA8197534.
Genomic context (GRCh38, chr16:83,915,185, plus strand): 5'-AGACCCTCAAGCTCCTCCTCAGCAGCAGCGAGTGGGTGCAGTCGGAGAAGCTGGTGCGGG[C>G]GCTGCAGACTCCGCTGATGAGGCTGTGCGCCTGGTACCTGTATGGAGAGAAGCACCGCGG-3'
Protein context (NP_036345.2, residues 383-403): EWVQSEKLVR[Ala393Gly]LQTPLMRLCA